The following is an entry in ClinVar:

ClinVar aggregate classification (germline): Uncertain significance (1 of 4 stars; one submission).

Conditions:
ZCCHC8-related disorder. Also called: ZCCHC8-related condition.

Submission:

PreventionGenetics, part of Exact Sciences
Classification: Uncertain significance for ZCCHC8-related condition. Last evaluated: 2026-01-22. Review status: criteria provided, single submitter. Criteria: ACMG Guidelines, 2015. Collection method: clinical testing. Allele origin: germline.
Comment: The ZCCHC8 c.409A>C variant is predicted to result in the amino acid substitution p.Asn137His. To our knowledge, this variant has not been reported in the literature or in a large population database (gnomAD), indicating this variant is rare. At this time, the clinical significance of this variant is uncertain due to the absence of conclusive functional and genetic evidence.

NM_017612.5(ZCCHC8):c.409A>C (p.Asn137His)

Gene: ZCCHC8 (zinc finger CCHC-type containing 8; minus strand). Cytogenetic location: 12q24.31.
Variant type: single nucleotide variant.
Coding change: c.409A>C on transcript NM_017612.5 (MANE Select); coding-DNA position 409, A replaced by C.
Protein change: p.Asn137His; replaces asparagine 137 with histidine.
Molecular consequence: missense variant. On other transcripts: 5 prime UTR variant (1), intron variant (1).
Genome position (GRCh38, 1-based): chr12:122,490,476, T>G on the plus strand (A>C on the coding strand, the complement: ZCCHC8 is on the minus strand). VCF-style: chr12-122490476-T-G. GRCh37 (hg19) VCF-style: chr12-122975023-T-G.
Other names: c.409A>C, p.Asn137His (NM_001350935.2); c.112A>C, p.Asn38His (NM_001350936.2); c.-136A>C (NM_001350937.2); c.-121-1013A>C (NM_001350938.2); short protein forms N137H, N38H.
Identifiers: ClinVar variation 4991320 (VCV004991320.1).